The following is an entry in ClinVar:

ClinVar aggregate classification (germline): Likely benign (1 of 4 stars; one submission).

Allele frequency attached by ClinVar (database versions not stated): gnomAD exomes 0.00001; ExAC 0.00003; TOPMed 0.00003; gnomAD 0.00005; ESP Exome Variant Server 0.00019.
gnomAD v4.1: 12 of 1,208,692 alleles (0.00099%); highest among the groups gnomAD compares: African/African-American, 0.012%; no homozygotes.

Submission:

CeGaT Center for Human Genetics Tuebingen
Classification: Likely benign. Last evaluated: 2023-03-01. Review status: criteria provided, single submitter. Criteria: CeGaT Center For Human Genetics Tuebingen Variant Classification Criteria Version 2. Collection method: clinical testing. Allele origin: germline. Affected: yes. Observed: 1 variant allele.
Comment: USP11: BP4, BP7, BS2

NM_001371072.1(USP11):c.12C>T (p.Val4=)

Genes: USP11 (ubiquitin specific peptidase 11; plus strand), LOC119369038 (CRISPRi-FlowFISH-validated HDAC6 regulatory element 1; plus strand). Cytogenetic location: Xp11.3.
Variant type: single nucleotide variant.
Coding change: c.12C>T on transcript NM_001371072.1 (MANE Select); coding-DNA position 12, C replaced by T.
Protein change: p.Val4=; no amino-acid change (valine 4 retained).
Molecular consequence: synonymous variant.
Genome position (GRCh38, 1-based): chrX:47,233,055, C>T. VCF-style: chrX-47233055-C-T. GRCh37 (hg19) VCF-style: chrX-47092454-C-T.
Identifiers: ClinVar variation 2660417 (VCV002660417.24), dbSNP rs377322344, ClinGen allele CA10396725.